The following is an entry in ClinVar:

ClinVar aggregate classification (germline): Benign. Review status: criteria provided, multiple submitters, no conflicts (2 of 4 stars). 3 submissions from 3 submitters: Benign (3). Last evaluated 2021-12-29.

Allele frequency attached by ClinVar (database versions not stated): ExAC 0.00208; ESP Exome Variant Server 0.00654; gnomAD 0.00660 and 0.00612; TOPMed 0.00697; gnomAD exomes 0.00061 and 0.00175; 1000 Genomes Project 0.00639; 1000 Genomes Project 30x 0.00718.

Submissions (7):

Mayo Clinic Laboratories, Mayo Clinic
Classification: Benign. Last evaluated: 2021-12-29. Review status: criteria provided, single submitter. Criteria: ACMG Guidelines, 2015. Collection method: clinical testing. Allele origin: germline. Observed: 3 variant alleles.
Comment: BA1, BP4

Labcorp Genetics (formerly Invitae), Labcorp
Classification: Benign. Last evaluated: 2019-12-31. Review status: criteria provided, single submitter. Criteria: Invitae Variant Classification Sherloc (09022015). Collection method: clinical testing. Allele origin: germline.

Breakthrough Genomics
Classification: Benign. Review status: criteria provided, single submitter. Criteria: ACMG Guidelines, 2015. Collection method: not provided. Allele origin: germline. Inheritance: Autosomal dominant inheritance. Affected: yes.

Dr. Peter K. Rogan Lab, Western University
No classification provided (evidence only). Condition: Clear cell carcinoma of kidney. Review status: no classification provided. Collection method: in vitro. Allele origin: not applicable. Functional consequence: retained intron. Not counted in ClinVar's aggregate classification.

Dr. Peter K. Rogan Lab, Western University
No classification provided (evidence only). Condition: Clear cell carcinoma of kidney. Review status: no classification provided. Collection method: in vitro. Allele origin: not applicable. Functional consequence: retained intron. Not counted in ClinVar's aggregate classification.

Dr. Peter K. Rogan Lab, Western University
No classification provided (evidence only). Condition: Clear cell carcinoma of kidney. Review status: no classification provided. Collection method: in vitro. Allele origin: not applicable. Functional consequence: retained intron. Not counted in ClinVar's aggregate classification.

Dr. Peter K. Rogan Lab, Western University
No classification provided (evidence only). Condition: Ovarian serous cystadenocarcinoma. Review status: no classification provided. Collection method: in vitro. Allele origin: not applicable. Functional consequence: retained intron. Not counted in ClinVar's aggregate classification.

NM_001966.4(EHHADH):c.608T>G (p.Ile203Ser)

Gene: EHHADH (enoyl-CoA hydratase and 3-hydroxyacyl CoA dehydrogenase; minus strand). Cytogenetic location: 3q27.2.
Variant type: single nucleotide variant.
Coding change: c.608T>G on transcript NM_001966.4 (MANE Select); coding-DNA position 608, T replaced by G.
Protein change: p.Ile203Ser; replaces isoleucine 203 with serine.
Molecular consequence: missense variant.
Genome position (GRCh38, 1-based): chr3:185,204,718, A>C on the plus strand (T>G on the coding strand, the complement: EHHADH is on the minus strand). VCF-style: chr3-185204718-A-C. GRCh37 (hg19) VCF-style: chr3-184922506-A-C.
Other names: NC_000003.11:g.184922506A>C; p.Ile203Ser; c.320T>G, p.Ile107Ser (NM_001166415.2); short protein forms I107S, I203S.
Identifiers: ClinVar variation 711376 (VCV000711376.7), dbSNP rs149115164, ClinGen allele CA2739164.